The following is an entry in ClinVar:

ClinVar aggregate classification (germline): Uncertain significance (1 of 4 stars; one submission).

Conditions:
Hereditary cancer-predisposing syndrome. Also called: Neoplastic Syndromes, Hereditary; Tumor predisposition; Hereditary Cancer Syndrome; Hereditary neoplastic syndrome. Identifiers: Orphanet 140162, MedGen C0027672, MeSH D009386, MONDO:0015356.

Submission:

Ambry Genetics
Classification: Uncertain significance for Hereditary cancer-predisposing syndrome. Last evaluated: 2026-04-20. Review status: criteria provided, single submitter. Criteria: Ambry Variant Classification Scheme 2023. Collection method: clinical testing. Allele origin: germline.
Comment: The p.Y3225F variant (also known as c.9674A>T), located in coding exon 26 of the BRCA2 gene, results from an A to T substitution at nucleotide position 9674. The tyrosine at codon 3225 is replaced by phenylalanine, an amino acid with highly similar properties. This amino acid position is conserved. In addition, this alteration is predicted to be tolerated by in silico analysis. Based on the available evidence, the clinical significance of this variant remains unclear.

NM_000059.4(BRCA2):c.9674A>T (p.Tyr3225Phe)

Gene: BRCA2 (BRCA2 DNA repair associated; plus strand). Cytogenetic location: 13q13.1.
Variant type: single nucleotide variant.
Coding change: c.9674A>T on transcript NM_000059.4 (MANE Select); coding-DNA position 9674, A replaced by T.
Protein change: p.Tyr3225Phe; replaces tyrosine 3225 with phenylalanine.
Molecular consequence: missense variant. On other transcripts: non-coding transcript variant (1).
Genome position (GRCh38, 1-based): chr13:32,398,187, A>T. VCF-style: chr13-32398187-A-T. GRCh37 (hg19) VCF-style: chr13-32972324-A-T.
Other names: c.9578A>T, p.Tyr3193Phe (NM_001406719.1); c.9623A>T, p.Tyr3208Phe (NM_001406720.1); c.4742A>T, p.Tyr1581Phe (NM_001406721.1); c.3257A>T, p.Tyr1086Phe (NM_001406722.1); c.9674A>T, p.Tyr3225Phe (NM_001432077.1); short protein forms Y1086F, Y1581F, Y3193F, Y3208F, Y3225F.
Identifiers: ClinVar variation 4867834 (VCV004867834.1).
Genomic context (GRCh38, chr13:32,398,187, plus strand): 5'-AATTATGATAGGCTACGTTTTCATTTTTTTATCAGATGTCTTCTCCTAATTGTGAGATAT[A>T]TTATCAAAGTCCTTTATCACTTTGTATGGCCAAAAGGAAGTCTGTTTCCACACCTGTCTC-3'
Protein context (NP_000050.3, residues 3215-3235): LLMSSPNCEI[Tyr3225Phe]YQSPLSLCMA